The following is an entry in ClinVar:

NM_001267550.2(TTN):c.10114+1G>T

Gene: TTN (titin; minus strand). Cytogenetic location: 2q31.2.
Variant type: single nucleotide variant.
Coding change: c.10114+1G>T on transcript NM_001267550.2 (MANE Select); the canonical splice donor site of the intron after coding-DNA position 10114, G replaced by T.
Molecular consequence: splice donor variant.
Genome position (GRCh38, 1-based): chr2:178,764,176, C>A on the plus strand (G>T on the coding strand, the complement: TTN is on the minus strand). VCF-style: chr2-178764176-C-A. GRCh37 (hg19) VCF-style: chr2-179628903-C-A.
Other names: c.9976+1G>T (NM_003319.4, NM_133437.4, NM_133432.3); c.10114+1G>T (NM_133378.4, NM_001256850.1, NM_133379.5).
Identifiers: ClinVar variation 1498099 (VCV001498099.6), dbSNP rs2154339650, ClinGen allele CA349673690.

ClinVar aggregate classification (germline): Likely pathogenic (1 of 4 stars; one submission).

Conditions:
Dilated cardiomyopathy 1G (CMD1G). Identifiers: Orphanet 154, MedGen C1858763, MONDO:0011400, OMIM 604145.
Autosomal recessive limb-girdle muscular dystrophy type 2J (LGMDR10). Also called: Limb-girdle muscular dystrophy, type 2J; MUSCULAR DYSTROPHY, LIMB-GIRDLE, AUTOSOMAL RECESSIVE 10. Identifiers: Orphanet 140922, MedGen C1837342, MONDO:0012127, OMIM 608807.

Submission:

Labcorp Genetics (formerly Invitae), Labcorp
Classification: Likely pathogenic for Dilated cardiomyopathy 1G; Autosomal recessive limb-girdle muscular dystrophy type 2J. Last evaluated: 2024-10-17. Review status: criteria provided, single submitter. Criteria: Invitae Variant Classification Sherloc (09022015). Collection method: clinical testing. Allele origin: germline.
Comment: This sequence change affects a donor splice site in intron 43 of the TTN gene. It is expected to disrupt RNA splicing and likely results in a truncated or disrupted TTN protein. This variant is not present in population databases (gnomAD no frequency). This variant has not been reported in the literature in individuals affected with TTN-related conditions. ClinVar contains an entry for this variant (Variation ID: 1498099). Algorithms developed to predict the effect of sequence changes on RNA splicing suggest that this variant may disrupt the consensus splice site. This variant is located in the I band of TTN (PMID: 25589632). Truncating variants in this region have been reported in individuals affected with autosomal recessive centronuclear myopathy (PMID: 23975875, internal data). Truncating variants in this region have also been identified in individuals affected with autosomal dominant dilated cardiomyopathy and/or cardio-related conditions (PMID: 27869827, 32964742, internal data). In summary, the currently available evidence indicates that the variant is pathogenic, but additional data are needed to prove that conclusively. Therefore, this variant has been classified as Likely Pathogenic.

Literature cited by the submitters: PubMed 25589632; PubMed 23975875; PubMed 27869827; PubMed 32964742.